The following is an entry in ClinVar:

NM_001267550.2(TTN):c.65696_65706del (p.Lys21899fs)

Genes: TTN (titin; minus strand), TTN-AS1 (TTN antisense RNA 1; plus strand). Cytogenetic location: 2q31.2.
Variant type: Deletion.
Coding change: c.65696_65706del on transcript NM_001267550.2 (MANE Select); coding-DNA positions 65696 to 65706, 11 bases deleted (AAGATGGCACA).
Protein change: p.Lys21899fs; shifts the reading frame from lysine 21899.
Molecular consequence: frameshift variant. On other transcripts: non-coding transcript variant (1).
Genome position (GRCh38, 1-based): chr2:178,583,097-178,583,107, TGTGCCATCTT deleted on the plus strand (AAGATGGCACA on the coding strand, the reverse complement: TTN is on the minus strand); deleting any 11 consecutive bases within chr2:178,583,097-178,583,108 gives the same sequence; the c. name uses the placement nearest the transcript's 3' end. VCF-style (leftmost placement, unchanged base first): chr2-178583096-GTGTGCCATCTT-G. GRCh37 (hg19) VCF-style: chr2-179447823-GTGTGCCATCTT-G.
Other names: c.57992_58002del, p.Lys19331fs (NM_133378.4); c.38876_38886del, p.Lys12959fs (NM_133432.3); c.60773_60783del, p.Lys20258fs (NM_001256850.1); c.38501_38511del, p.Lys12834fs (NM_003319.4); c.39077_39087del, p.Lys13026fs (NM_133437.4); c.38501_38511del11 (NM_003319.4); short protein forms K12834fs, K12959fs, K13026fs, K19331fs, K20258fs, K21899fs.
Identifiers: ClinVar variation 3068605 (VCV003068605.2), dbSNP rs2469065314, ClinGen allele CA2573320314.

ClinVar aggregate classification (germline): Likely pathogenic. Review status: criteria provided, multiple submitters, no conflicts (2 of 4 stars). 2 submissions from 2 submitters: Likely pathogenic (2). Last evaluated 2025-03-14.

Conditions:
Cardiovascular phenotype. Identifiers: MedGen CN230736.
Primary dilated cardiomyopathy (DCM). Also called: Dilated Cardiomyopathy. Identifiers: Orphanet 217604, MedGen C0007193, MeSH D002311, MONDO:0005021, HP:0001644. Inheritance: Various modes of inheritance.

Submissions (2):

Ambry Genetics
Classification: Likely pathogenic for Cardiovascular phenotype. Last evaluated: 2025-03-14. Review status: criteria provided, single submitter. Criteria: Ambry Variant Classification Scheme 2023. Collection method: clinical testing. Allele origin: germline.
Comment: The c.38501_38511del11 variant, located in coding exon 140 of the TTN gene, results from a deletion of 11 nucleotides at nucleotide positions 38501 to 38511, causing a translational frameshift with a predicted alternate stop codon (p.K12834Tfs*37). This exon is located in the A-band region of the N2-B isoform of the titin protein and is constitutively expressed in TTN transcripts (percent spliced in or PSI 100%). This variant is expected to result in loss of function by premature protein truncation or nonsense-mediated mRNA decay. While truncating variants in TTN are present in 1-3% of the general population, truncating variants in the A-band are the most common cause of dilated cardiomyopathy (Herman DS et al. N. Engl. J. Med., 2012 Feb;366:619-28; Roberts AM et al. Sci Transl Med, 2015 Jan;7:270ra6). TTN truncating variants encoded in constitutive exons (PSI >90%) have been found to be significantly associated with DCM regardless of their position in titin (Schafer S et al. Nat. Genet., 2017 01;49:46-53; Akhtar MM et al. Circ Heart Fail, 2020 Oct;13:e006832; Massier M et al. Clin Genet, 2025 Jan). This variant is considered to be rare based on population cohorts in the Genome Aggregation Database (gnomAD). Based on the majority of available evidence to date, this variant is likely to be pathogenic.

Molecular Genetics, Royal Melbourne Hospital
Classification: Likely pathogenic for Primary dilated cardiomyopathy. Last evaluated: 2023-03-30. Review status: criteria provided, single submitter. Criteria: ACMG Guidelines, 2015. Collection method: clinical testing. Allele origin: germline. Affected: yes.
Comment: This sequence change in TTN is a frameshift variant predicted to cause a premature stop codon, p.(Lys21899Thrfs*37) in constitutively expressed exon 313 (percentage splice in, PSI, 100%) in the A-band. High PSI truncating variants in TTN have a significant association with dilated cardiomyopathy (PMID: 31216868). This variant is absent from gnomAD v2.1 and v3.1. To our knowledge, this variant has not been reported in the literature in any individuals with TTN-related disease. Based on the classification scheme RMH Modified ACMG Guidelines v1.5.1, this variant is classified as LIKELY PATHOGENIC. Following criteria are met: PVS1, PM2_Supporting.

Literature cited by the submitters: PubMed 31216868 (cited by Molecular Genetics, Royal Melbourne Hospital).